The following is an entry in ClinVar:

NM_000465.4(BARD1):c.665C>T (p.Ala222Val)

Gene: BARD1 (BRCA1 associated RING domain 1; minus strand). Cytogenetic location: 2q35.
Variant type: single nucleotide variant.
Coding change: c.665C>T on transcript NM_000465.4 (MANE Select); coding-DNA position 665, C replaced by T.
Protein change: p.Ala222Val; replaces alanine 222 with valine.
Molecular consequence: missense variant. On other transcripts: non-coding transcript variant (2), intron variant (3).
Genome position (GRCh38, 1-based): chr2:214,781,209, G>A on the plus strand (C>T on the coding strand, the complement: BARD1 is on the minus strand). VCF-style: chr2-214781209-G-A. GRCh37 (hg19) VCF-style: chr2-215645933-G-A.
Other names: c.608C>T, p.Ala203Val (NM_001282543.2); c.158+28203C>T (NM_001282548.2); c.215+15852C>T (NM_001282545.2); c.364+11088C>T (NM_001282549.2); short protein forms A222V, A203V.
Identifiers: ClinVar variation 460758 (VCV000460758.28), dbSNP rs142086060, ClinGen allele CA64788815.

ClinVar aggregate classification (germline): Conflicting classifications of pathogenicity. Review status: criteria provided, conflicting classifications (1 of 4 stars). 7 submissions from 7 submitters: Uncertain significance (6); Likely benign (1). Last evaluated 2026-02-03.

Conditions:
Hereditary cancer-predisposing syndrome. Also called: Neoplastic Syndromes, Hereditary; Tumor predisposition; Hereditary neoplastic syndrome; Hereditary Cancer Syndrome. Identifiers: Orphanet 140162, MedGen C0027672, MeSH D009386, MONDO:0015356.
Familial cancer of breast. Also called: BREAST CANCER, FAMILIAL; hereditary breast carcinoma; Hereditary breast cancer. Identifiers: Orphanet 227535, MedGen C0346153, MONDO:0016419, OMIM 114480. Disease mechanism: loss of function.

Allele frequency attached by ClinVar (database versions not stated): gnomAD 0.00005 and 0.00006; gnomAD exomes below 0.00001; ESP Exome Variant Server 0.00008; TOPMed 0.00008.

Submissions (7):

Labcorp Genetics (formerly Invitae), Labcorp
Classification: Uncertain significance for Familial cancer of breast. Last evaluated: 2026-02-03. Review status: criteria provided, single submitter. Criteria: Invitae Variant Classification Sherloc (09022015). Collection method: clinical testing. Allele origin: germline.
Comment: This sequence change replaces alanine, which is neutral and non-polar, with valine, which is neutral and non-polar, at codon 222 of the BARD1 protein (p.Ala222Val). This variant is not present in population databases (gnomAD no frequency). This variant has not been reported in the literature in individuals affected with BARD1-related conditions. ClinVar contains an entry for this variant (Variation ID: 460758). An algorithm developed to predict the effect of missense changes on protein structure and function outputs the following: PolyPhen-2: "Benign". The valine amino acid residue is found in multiple mammalian species, which suggests that this missense change does not adversely affect protein function. RNA analysis performed to evaluate the impact of this missense change on mRNA splicing indicates it does not significantly alter splicing (internal data). In summary, the available evidence is currently insufficient to determine the role of this variant in disease. Therefore, it has been classified as a Variant of Uncertain Significance.

Ambry Genetics
Classification: Likely benign for Hereditary cancer-predisposing syndrome. Last evaluated: 2025-12-16. Review status: criteria provided, single submitter. Criteria: Ambry Variant Classification Scheme 2023. Collection method: clinical testing. Allele origin: germline.

Color Diagnostics, LLC DBA Color Health
Classification: Uncertain significance for Hereditary cancer-predisposing syndrome. Last evaluated: 2024-06-17. Review status: criteria provided, single submitter. Criteria: ACMG Guidelines, 2015. Collection method: clinical testing. Allele origin: germline.
Comment: This missense variant replaces alanine with valine at codon 222 of the BARD1 protein. Computational prediction suggests that this variant may not impact protein structure and function. To our knowledge, functional studies have not been reported for this variant. This variant has not been reported in individuals affected with hereditary cancer in the literature. This variant has been identified in 1/229770 chromosomes in the general population by the Genome Aggregation Database (gnomAD). The available evidence is insufficient to determine the role of this variant in disease conclusively. Therefore, this variant is classified as a Variant of Uncertain Significance.

Quest Diagnostics Nichols Institute San Juan Capistrano
Classification: Uncertain significance. Last evaluated: 2024-05-15. Review status: criteria provided, single submitter. Criteria: Quest Diagnostics criteria. Collection method: clinical testing. Allele origin: unknown.
Comment: The BARD1 c.665C>T (p.Ala222Val) variant has not been reported in individuals with BARD1-related conditions in the published literature. The frequency of this variant in the general population, 0.0000044 (1/229770 chromosomes (Genome Aggregation Database)), is uninformative in the assessment of its pathogenicity. Analysis of this variant using bioinformatics tools for the prediction of the effect of amino acid changes on protein structure and function yielded predictions that this variant is benign. Based on the available information, we are unable to determine the clinical significance of this variant.

Fulgent Genetics
Classification: Uncertain significance for Familial cancer of breast. Last evaluated: 2024-03-17. Review status: criteria provided, single submitter. Criteria: ACMG Guidelines, 2015. Collection method: clinical testing. Allele origin: germline.

GeneDx
Classification: Uncertain significance. Last evaluated: 2021-12-14. Review status: criteria provided, single submitter. Criteria: GeneDx Variant Classification Process June 2021. Collection method: clinical testing. Allele origin: germline. Affected: yes.
Comment: Not observed at significant frequency in large population cohorts (Lek et al., 2016); In silico analysis supports that this missense variant does not alter protein structure/function; Has not been previously published as pathogenic or benign to our knowledge

Women's Health and Genetics/Laboratory Corporation of America, LabCorp
Classification: Uncertain significance. Last evaluated: 2016-11-18. Review status: criteria provided, single submitter. Criteria: LabCorp Variant Classification Summary - May 2015. Collection method: clinical testing. Allele origin: germline.
Comment: Variant summary: The BARD1 c.665C>T (p.Ala222Val) variant involves the alteration of a non-conserved nucleotide. 3/4 in silico tools predict a benign outcome for this substitution (SNPs&GO not captured due to low reliability index). This variant is absent in 118148 control chromosomes. The variant of interest has not, to our knowledge, been reported in affected individuals via publications and/or reputable databases/clinical diagnostic laboratories; nor evaluated for functional impact by in vivo/vitro studies. Because of the absence of clinical information and the lack of functional studies, the variant is classified as a variant of uncertain significance (VUS) until additional information becomes available.